The following is an entry in ClinVar:

NM_002181.4(IHH):c.485A>G (p.Lys162Arg)

Gene: IHH (Indian hedgehog signaling molecule; minus strand). Cytogenetic location: 2q35.
Variant type: single nucleotide variant.
Coding change: c.485A>G on transcript NM_002181.4 (MANE Select); coding-DNA position 485, A replaced by G.
Protein change: p.Lys162Arg; replaces lysine 162 with arginine.
Molecular consequence: missense variant.
Genome position (GRCh38, 1-based): chr2:219,057,525, T>C on the plus strand (A>G on the coding strand, the complement: IHH is on the minus strand). VCF-style: chr2-219057525-T-C. GRCh37 (hg19) VCF-style: chr2-219922247-T-C.
Other names: short protein forms K162R.
Identifiers: ClinVar variation 4882043 (VCV004882043.3).

ClinVar aggregate classification (germline): Uncertain significance. Review status: criteria provided, multiple submitters, no conflicts (2 of 4 stars). 2 submissions from 2 submitters: Uncertain significance (2). Last evaluated 2026-09-25.

Conditions:
Fetal anomalies with a likely genetic cause.

Submissions (2):

Genetics Laboratory, Great Ormond Street Hospital NHS Foundation Trust, North Thames Genomic Laboratory Hub
Classification: Uncertain significance for Fetal anomalies with a likely genetic cause. Last evaluated: 2026-09-25. Review status: criteria provided, single submitter. Criteria: ACGS Best Practice Guidelines for Variant Classification in Rare Disease 2024 v1.2. Collection method: clinical testing. Allele origin: germline. Affected: yes.
Comment: PM2_moderate, PP3_supporting, PP2_supporting

Dasa
Classification: Uncertain significance. Last evaluated: 2025-04-09. Review status: criteria provided, single submitter. Criteria: DASA Assertion Criteria. Collection method: clinical testing. Allele origin: germline.
Comment: NM_002181.4(IHH):c.485A>G (p.Lys162Arg) is a missense variant that results in the substitution of lysine with arginine. The affected residue or protein region has prior evidence supporting clinical relevance. This variant is absent from population databases. Computational prediction algorithms are consistent with a deleterious effect. The currently available literature and clinical evidence are not sufficient to establish a definitive association between this variant and the reported condition. Therefore, this variant is classified as a variant of uncertain significance.